The following is an entry in ClinVar:

ClinVar aggregate classification (germline): Uncertain significance (1 of 4 stars; one submission).

gnomAD v4.1: 1 of 1,613,980 alleles (0.000062%); highest among the groups gnomAD compares: African/African-American, 0.0013%; no homozygotes.

Submission:

Labcorp Genetics (formerly Invitae), Labcorp
Classification: Uncertain significance. Last evaluated: 2025-03-06. Review status: criteria provided, single submitter. Criteria: Invitae Variant Classification Sherloc (09022015). Collection method: clinical testing. Allele origin: germline.
Comment: This sequence change replaces glutamic acid, which is acidic and polar, with glycine, which is neutral and non-polar, at codon 3121 of the ANK3 protein (p.Glu3121Gly). This variant is present in population databases (rs760048880, gnomAD 0.007%). This variant has not been reported in the literature in individuals affected with ANK3-related conditions. An algorithm developed to predict the effect of missense changes on protein structure and function (PolyPhen-2) suggests that this variant is likely to be disruptive. In summary, the available evidence is currently insufficient to determine the role of this variant in disease. Therefore, it has been classified as a Variant of Uncertain Significance.

NM_020987.5(ANK3):c.9362A>G (p.Glu3121Gly)

Gene: ANK3 (ankyrin 3; minus strand). Cytogenetic location: 10q21.2.
Variant type: single nucleotide variant.
Coding change: c.9362A>G on transcript NM_020987.5 (MANE Select); coding-DNA position 9362, A replaced by G.
Protein change: p.Glu3121Gly; replaces glutamic acid 3121 with glycine.
Molecular consequence: missense variant. On other transcripts: intron variant (4).
Genome position (GRCh38, 1-based): chr10:60,071,519, T>C on the plus strand (A>G on the coding strand, the complement: ANK3 is on the minus strand). VCF-style: chr10-60071519-T-C. GRCh37 (hg19) VCF-style: chr10-61831277-T-C.
Other names: c.4388-3510A>G (NM_001204403.2); c.4409-3510A>G (NM_001204404.2); c.4406-3510A>G (NM_001320874.2); c.1808-3510A>G (NM_001149.4); short protein forms E3121G.
Identifiers: ClinVar variation 4753617 (VCV004753617.1).
Genomic context (GRCh38, chr10:60,071,519, plus strand): 5'-GGTTGCTTTTGCTGTCTAGTTGTATAAAAGGTCCCCCTGGTTTCTTGTACTGTCTTACAT[T>C]CCTGACTTATGATTTTTTTTACACCTCCTTGTTGTATCTCCTTTTCATATTGCTTCCCCA-3'
Protein context (NP_066267.2, residues 3111-3131): QGGVKKIISQ[Glu3121Gly]CKTVQETRGT